The following is an entry in ClinVar:

NM_001146.5(ANGPT1):c.674G>A (p.Arg225His)

Gene: ANGPT1 (angiopoietin 1; minus strand). Cytogenetic location: 8q23.1.
Variant type: single nucleotide variant.
Coding change: c.674G>A on transcript NM_001146.5 (MANE Select); coding-DNA position 674, G replaced by A.
Protein change: p.Arg225His; replaces arginine 225 with histidine.
Molecular consequence: missense variant.
Genome position (GRCh38, 1-based): chr8:107,322,030, C>T on the plus strand (G>A on the coding strand, the complement: ANGPT1 is on the minus strand). VCF-style: chr8-107322030-C-T. GRCh37 (hg19) VCF-style: chr8-108334258-C-T.
Other names: c.674G>A, p.Arg225His (NM_001199859.3); c.74G>A, p.Arg25His (NM_001314051.2); short protein forms R25H, R225H.
Identifiers: ClinVar variation 1420971 (VCV001420971.8), dbSNP rs568159633, ClinGen allele CA4841291.

ClinVar aggregate classification (germline): Uncertain significance (1 of 4 stars; one submission).

Allele frequency attached by ClinVar (database versions not stated): ExAC 0.00008; gnomAD exomes 0.00008; gnomAD 0.00010; TOPMed 0.00012; 1000 Genomes Project 30x 0.00016; 1000 Genomes Project 0.00020.
gnomAD v4.1: 100 of 1,613,890 alleles (0.0062%); highest among the groups gnomAD compares: Admixed American, 0.018%; no homozygotes.

Submission:

Labcorp Genetics (formerly Invitae), Labcorp
Classification: Uncertain significance. Last evaluated: 2025-09-10. Review status: criteria provided, single submitter. Criteria: Invitae Variant Classification Sherloc (09022015). Collection method: clinical testing. Allele origin: germline.
Comment: This sequence change replaces arginine, which is basic and polar, with histidine, which is basic and polar, at codon 225 of the ANGPT1 protein (p.Arg225His). This variant is present in population databases (rs568159633, gnomAD 0.02%). This variant has not been reported in the literature in individuals affected with ANGPT1-related conditions. ClinVar contains an entry for this variant (Variation ID: 1420971). An algorithm developed to predict the effect of missense changes on protein structure and function (PolyPhen-2) suggests that this variant is likely to be tolerated. In summary, the available evidence is currently insufficient to determine the role of this variant in disease. Therefore, it has been classified as a Variant of Uncertain Significance.